The following is an entry in ClinVar:

ClinVar aggregate classification (germline): Pathogenic (1 of 4 stars; one submission).

Conditions:
Autosomal dominant polycystic kidney disease. Identifiers: Orphanet 730, MedGen C0085413, MONDO:0004691.

Submission:

Labcorp Genetics (formerly Invitae), Labcorp
Classification: Pathogenic for Autosomal dominant polycystic kidney disease. Last evaluated: 2021-02-03. Review status: criteria provided, single submitter. Criteria: Invitae Variant Classification Sherloc (09022015). Collection method: clinical testing. Allele origin: germline.
Comment: For these reasons, this variant has been classified as Pathogenic. This variant has not been reported in the literature in individuals with PKD2-related conditions. This variant is not present in population databases (ExAC no frequency). This sequence change creates a premature translational stop signal (p.Thr402Lysfs*50) in the PKD2 gene. It is expected to result in an absent or disrupted protein product. Loss-of-function variants in PKD2 are known to be pathogenic (PMID: 17582161, 22863349).

Literature cited by the submitters: PubMed 17582161; PubMed 22863349.

NM_000297.4(PKD2):c.1205del (p.Thr402fs)

Gene: PKD2 (polycystin 2, transient receptor potential cation channel; plus strand). Cytogenetic location: 4q22.1.
Variant type: Deletion.
Coding change: c.1205del on transcript NM_000297.4 (MANE Select); coding-DNA position 1205, one base deleted (C; older notation c.1205delC).
Protein change: p.Thr402fs; shifts the reading frame from threonine 402.
Molecular consequence: frameshift variant. On other transcripts: non-coding transcript variant (1).
Genome position (GRCh38, 1-based): chr4:88,043,343, C deleted. VCF-style (leftmost placement, unchanged base first): chr4-88043342-AC-A. GRCh37 (hg19) VCF-style: chr4-88964494-AC-A.
Other names: short protein forms T402fs.
Identifiers: ClinVar variation 1416552 (VCV001416552.6), dbSNP rs2110112194, ClinGen allele CA2573138376.
Genomic context (GRCh38, chr4:88,043,342, plus strand): 5'-ATCATTGCAACTTATAGTGGAGCTGGCTATTATCTGGATTTGTCAAGAACAAGAGAGGAA[AC>A]AGCTGCACAAGTTGCTAGCCTCAAGAAAAATGTCTGGCTGGACCGAGGAACCAGGGCAAC-3'